The following is an entry in ClinVar:

ClinVar aggregate classification (germline): Likely pathogenic (1 of 4 stars; one submission).

Conditions:
Jeune thoracic dystrophy. Also called: Jeune syndrome; Infantile thoracic dystrophy; Thoracic pelvic phalangeal dystrophy; Jeune's syndrome; Chondroectodermal dysplasia-like syndrome; Short-rib thoracic dysplasia. Identifiers: Orphanet 474, MedGen C0265275, MONDO:0018770.

Allele frequency attached by ClinVar (database versions not stated): gnomAD exomes below 0.00001.
gnomAD v4.1: 1 of 1,605,724 alleles (0.000062%); highest among the groups gnomAD compares: Admixed American, 0.0017%; no homozygotes.

Submission:

Labcorp Genetics (formerly Invitae), Labcorp
Classification: Likely pathogenic for Jeune thoracic dystrophy. Last evaluated: 2023-06-12. Review status: criteria provided, single submitter. Criteria: Invitae Variant Classification Sherloc (09022015). Collection method: clinical testing. Allele origin: germline.
Comment: In summary, the currently available evidence indicates that the variant is pathogenic, but additional data are needed to prove that conclusively. Therefore, this variant has been classified as Likely Pathogenic. Algorithms developed to predict the effect of sequence changes on RNA splicing suggest that this variant may disrupt the consensus splice site. This variant has not been reported in the literature in individuals affected with DYNC2H1-related conditions. This variant is present in population databases (no rsID available, gnomAD 0.003%). This sequence change affects an acceptor splice site in intron 32 of the DYNC2H1 gene. It is expected to disrupt RNA splicing. Variants that disrupt the donor or acceptor splice site typically lead to a loss of protein function (PMID: 16199547), and loss-of-function variants in DYNC2H1 are known to be pathogenic (PMID: 23339108, 32753734).

Literature cited by the submitters: PubMed 16199547; PubMed 23339108; PubMed 32753734.

NM_001377.3(DYNC2H1):c.4969-2A>G

Gene: DYNC2H1 (dynein cytoplasmic 2 heavy chain 1; plus strand). Cytogenetic location: 11q22.3.
Variant type: single nucleotide variant.
Coding change: c.4969-2A>G on transcript NM_001377.3 (MANE Select); the canonical splice acceptor site of the intron before coding-DNA position 4969, A replaced by G.
Molecular consequence: splice acceptor variant.
Genome position (GRCh38, 1-based): chr11:103,170,106, A>G. VCF-style: chr11-103170106-A-G. GRCh37 (hg19) VCF-style: chr11-103040835-A-G.
Other names: c.4969-2A>G (NM_001080463.2).
Identifiers: ClinVar variation 2786683 (VCV002786683.3), dbSNP rs1221933494, ClinGen allele CA382240799.